The following is an entry in ClinVar:

NM_005901.6(SMAD2):c.748_750del (p.Ser250del)

Gene: SMAD2 (SMAD family member 2; minus strand). Cytogenetic location: 18q21.1.
Variant type: Deletion.
Coding change: c.748_750del on transcript NM_005901.6 (MANE Select); coding-DNA positions 748 to 750, 3 bases deleted (TCT; older notation c.748_750delTCT).
Protein change: p.Ser250del; deletes serine 250.
Genome position (GRCh38, 1-based): chr18:47,851,308-47,851,310, AGA deleted on the plus strand (TCT on the coding strand, the reverse complement: SMAD2 is on the minus strand). VCF-style (leftmost placement, unchanged base first): chr18-47851307-GAGA-G. GRCh37 (hg19) VCF-style: chr18-45377678-GAGA-G.
Other names: c.748_750del, p.Ser250del (NM_001003652.4); c.658_660del, p.Ser220del (NM_001135937.3); short protein forms S220del, S250del.
Identifiers: ClinVar variation 4851429 (VCV004851429.1).

ClinVar aggregate classification (germline): Uncertain significance (1 of 4 stars; one submission).

Conditions:
Loeys-Dietz syndrome 6. Identifiers: MedGen C5562041, MONDO:0030500, OMIM 619656.

Submission:

Institute of Immunology and Genetics Kaiserslautern
Classification: Uncertain significance for Loeys-Dietz syndrome 6. Last evaluated: 2026-03-27. Review status: criteria provided, single submitter. Criteria: ACMG Guidelines, 2015. Collection method: clinical testing. Allele origin: germline.
Comment: ACMG Criteria: PM2_P, PM4; Variant was found in heterozygous state.